The following is an entry in ClinVar:

NM_006005.3(WFS1):c.2256G>T (p.Glu752Asp)

Gene: WFS1 (wolframin ER transmembrane glycoprotein; plus strand). Cytogenetic location: 4p16.1.
Variant type: single nucleotide variant.
Coding change: c.2256G>T on transcript NM_006005.3 (MANE Select); coding-DNA position 2256, G replaced by T.
Protein change: p.Glu752Asp; replaces glutamic acid 752 with aspartic acid.
Molecular consequence: missense variant.
Genome position (GRCh38, 1-based): chr4:6,302,051, G>T. VCF-style: chr4-6302051-G-T. GRCh37 (hg19) VCF-style: chr4-6303778-G-T.
Other names: c.2256G>T, p.Glu752Asp (NM_001145853.1); short protein forms E752D.
Identifiers: ClinVar variation 2873596 (VCV002873596.4), dbSNP rs1384492431, ClinGen allele CA356178233.

ClinVar aggregate classification (germline): Uncertain significance. Review status: criteria provided, multiple submitters, no conflicts (2 of 4 stars). 2 submissions from 2 submitters: Uncertain significance (2). Last evaluated 2026-05-12.

Conditions:
Inborn genetic diseases. Identifiers: MedGen C0950123, MeSH D030342.

Allele frequency attached by ClinVar (database versions not stated): gnomAD exomes below 0.00001.

Submissions (2):

Ambry Genetics
Classification: Uncertain significance for Inborn genetic diseases. Last evaluated: 2026-05-12. Review status: criteria provided, single submitter. Criteria: Ambry Variant Classification Scheme 2023. Collection method: clinical testing. Allele origin: germline.

Labcorp Genetics (formerly Invitae), Labcorp
Classification: Uncertain significance. Last evaluated: 2023-06-23. Review status: criteria provided, single submitter. Criteria: Invitae Variant Classification Sherloc (09022015). Collection method: clinical testing. Allele origin: germline.
Comment: This sequence change replaces glutamic acid, which is acidic and polar, with aspartic acid, which is acidic and polar, at codon 752 of the WFS1 protein (p.Glu752Asp). This variant is present in population databases (no rsID available, gnomAD 0.003%). This variant has not been reported in the literature in individuals affected with WFS1-related conditions. Advanced modeling of protein sequence and biophysical properties (such as structural, functional, and spatial information, amino acid conservation, physicochemical variation, residue mobility, and thermodynamic stability) performed at Invitae indicates that this missense variant is not expected to disrupt WFS1 protein function. In summary, the available evidence is currently insufficient to determine the role of this variant in disease. Therefore, it has been classified as a Variant of Uncertain Significance.